The following is an entry in ClinVar:

NM_033026.6(PCLO):c.2434A>G (p.Lys812Glu)

Gene: PCLO (piccolo presynaptic cytomatrix protein; minus strand). Cytogenetic location: 7q21.11.
Variant type: single nucleotide variant.
Coding change: c.2434A>G on transcript NM_033026.6 (MANE Select); coding-DNA position 2434, A replaced by G.
Protein change: p.Lys812Glu; replaces lysine 812 with glutamic acid.
Molecular consequence: missense variant.
Genome position (GRCh38, 1-based): chr7:83,135,116, T>C on the plus strand (A>G on the coding strand, the complement: PCLO is on the minus strand). VCF-style: chr7-83135116-T-C. GRCh37 (hg19) VCF-style: chr7-82764432-T-C.
Other names: c.2434A>G, p.Lys812Glu (NM_014510.3); short protein forms K812E.
Identifiers: ClinVar variation 2042142 (VCV002042142.4), dbSNP rs2484837501, ClinGen allele CA367900834.

ClinVar aggregate classification (germline): Uncertain significance (1 of 4 stars; one submission).

Submission:

Labcorp Genetics (formerly Invitae), Labcorp
Classification: Uncertain significance. Last evaluated: 2022-02-09. Review status: criteria provided, single submitter. Criteria: Invitae Variant Classification Sherloc (09022015). Collection method: clinical testing. Allele origin: germline.
Comment: In summary, the available evidence is currently insufficient to determine the role of this variant in disease. Therefore, it has been classified as a Variant of Uncertain Significance. Algorithms developed to predict the effect of missense changes on protein structure and function are either unavailable or do not agree on the potential impact of this missense change (SIFT: "Tolerated"; PolyPhen-2: "Not Available"; Align-GVGD: "Class C0"). This variant has not been reported in the literature in individuals affected with PCLO-related conditions. This variant is not present in population databases (gnomAD no frequency). This sequence change replaces lysine, which is basic and polar, with glutamic acid, which is acidic and polar, at codon 812 of the PCLO protein (p.Lys812Glu).